The following is an entry in ClinVar:

ClinVar aggregate classification (germline): Uncertain significance (1 of 4 stars; one submission).

Allele frequency attached by ClinVar (database versions not stated): TOPMed below 0.00001.

Submission:

Ambry Genetics
Classification: Uncertain significance. Last evaluated: 2024-02-18. Review status: criteria provided, single submitter. Criteria: Ambry Variant Classification Scheme 2023. Collection method: clinical testing. Allele origin: germline.
Comment: The p.W986S variant (also known as c.2957G>C), located in coding exon 4 of the ALPK2 gene, results from a G to C substitution at nucleotide position 2957. The tryptophan at codon 986 is replaced by serine, an amino acid with highly dissimilar properties. This amino acid position is conserved. In addition, this alteration is predicted to be tolerated by in silico analysis. Since supporting evidence is limited at this time, the clinical significance of this alteration remains unclear.

NM_052947.4(ALPK2):c.2957G>C (p.Trp986Ser)

Gene: ALPK2 (alpha kinase 2; minus strand). Cytogenetic location: 18q21.31.
Variant type: single nucleotide variant.
Coding change: c.2957G>C on transcript NM_052947.4 (MANE Select); coding-DNA position 2957, G replaced by C.
Protein change: p.Trp986Ser; replaces tryptophan 986 with serine.
Molecular consequence: missense variant.
Genome position (GRCh38, 1-based): chr18:58,537,230, C>G on the plus strand (G>C on the coding strand, the complement: ALPK2 is on the minus strand). VCF-style: chr18-58537230-C-G. GRCh37 (hg19) VCF-style: chr18-56204462-C-G.
Other names: short protein forms W986S.
Identifiers: ClinVar variation 1798117 (VCV001798117.2), dbSNP rs1568078649, ClinGen allele CA402569413.